The following is an entry in ClinVar:

NM_001378120.1(MBD5):c.2645A>T (p.Gln882Leu)

Gene: MBD5 (methyl-CpG binding domain protein 5; plus strand). Cytogenetic location: 2q23.1.
Variant type: single nucleotide variant.
Coding change: c.2645A>T on transcript NM_001378120.1 (MANE Select); coding-DNA position 2645, A replaced by T.
Protein change: p.Gln882Leu; replaces glutamine 882 with leucine.
Molecular consequence: missense variant.
Genome position (GRCh38, 1-based): chr2:148,483,236, A>T. VCF-style: chr2-148483236-A-T. GRCh37 (hg19) VCF-style: chr2-149240805-A-T.
Other names: p.Q882L:CAG>CTG; c.2645A>T, p.Gln882Leu (NM_018328.5); short protein forms Q882L.
Identifiers: ClinVar variation 206088 (VCV000206088.4), dbSNP rs151173122, ClinGen allele CA315832.

ClinVar aggregate classification (germline): Uncertain significance. Review status: criteria provided, multiple submitters, no conflicts (2 of 4 stars). 3 submissions from 3 submitters: Uncertain significance (3). Last evaluated 2025-03-11.

Conditions:
Intellectual developmental disorder, autosomal dominant 1. Also called: Intellectual disability, autosomal dominant 1; MBD5 Haploinsufficiency. Identifiers: Orphanet 228402, MedGen C1969562, MONDO:0007974, OMIM 156200.

Allele frequency attached by ClinVar (database versions not stated): ExAC 0.00001; TOPMed 0.00001; gnomAD exomes 0.00003; ESP Exome Variant Server 0.00008.
gnomAD v4.1: 48 of 1,614,108 alleles (0.003%); highest among the groups gnomAD compares: Non-Finnish European, 0.0037%; no homozygotes.

Submissions (3):

Labcorp Genetics (formerly Invitae), Labcorp
Classification: Uncertain significance for Intellectual developmental disorder, autosomal dominant 1. Last evaluated: 2025-03-11. Review status: criteria provided, single submitter. Criteria: Invitae Variant Classification Sherloc (09022015). Collection method: clinical testing. Allele origin: germline.
Comment: This sequence change replaces glutamine, which is neutral and polar, with leucine, which is neutral and non-polar, at codon 882 of the MBD5 protein (p.Gln882Leu). This variant is not present in population databases (gnomAD no frequency). This variant has not been reported in the literature in individuals affected with MBD5-related conditions. ClinVar contains an entry for this variant (Variation ID: 206088). Invitae Evidence Modeling of protein sequence and biophysical properties (such as structural, functional, and spatial information, amino acid conservation, physicochemical variation, residue mobility, and thermodynamic stability) indicates that this missense variant is not expected to disrupt MBD5 protein function with a negative predictive value of 80%. In summary, the available evidence is currently insufficient to determine the role of this variant in disease. Therefore, it has been classified as a Variant of Uncertain Significance.

Baylor Genetics
Classification: Uncertain significance for Intellectual developmental disorder, autosomal dominant 1. Last evaluated: 2018-03-16. Review status: criteria provided, single submitter. Criteria: ACMG Guidelines, 2015. Collection method: clinical testing. Allele origin: paternal. Affected: yes.
Comment: This variant was determined to be of uncertain significance according to ACMG Guidelines, 2015 [PMID:25741868].

GeneDx
Classification: Uncertain significance. Last evaluated: 2017-12-05. Review status: criteria provided, single submitter. Criteria: GeneDx Variant Classification (06012015). Collection method: clinical testing. Allele origin: germline. Affected: yes.
Comment: p.Gln882Leu (Q882L) CAG>CTG: c.2645 A>T in exon 10 of the MBD5 gene (NM_018328.4)The Q882L variant has not been published as a mutation, nor has it been reported as a benign polymorphism to our knowledge. The Q882L variant was not observed with any significant frequency in approximately 6,500 individuals of European and African American ancestry in the NHLBI Exome Sequencing Project. The Q882L variant is a non-conservative amino acid substitution, which is likely to impact secondary protein structure as these residues differ in polarity, charge, size and/or other properties. In addition, in silico analysis predicts this variant is probably damaging to the protein structure/function and this substitution occurs at a position that is conserved in mammals. However, missense mutations have not been previously reported in this region of the MBD5 protein in association with MBD5-related disorders. Therefore, based on the currently available information, it is unclear whether this variant is a pathogenic mutation or a rare benign variant. The variant is found in RETT-EPI panel(s).